The following is an entry in ClinVar:

ClinVar aggregate classification (germline): Uncertain significance (1 of 4 stars; one submission).

Submission:

Dasa
Classification: Uncertain significance. Last evaluated: 2025-06-11. Review status: criteria provided, single submitter. Criteria: DASA Assertion Criteria. Collection method: clinical testing. Allele origin: germline.
Comment: NM_005984.5(SLC25A1):c.830dup (p.Thr279Hisfs*20) is a frameshift variant in SLC25A1 predicted to alter the reading frame and introduce a premature termination codon and is predicted to result in an absent or altered protein product. This variant is absent from population databases. The currently available literature and clinical evidence are not sufficient to establish a definitive association between this variant and the reported condition. Therefore, this variant is classified as a variant of uncertain significance.

NM_005984.5(SLC25A1):c.830dup (p.Thr279fs)

Gene: SLC25A1 (solute carrier family 25 member 1; minus strand). Cytogenetic location: 22q11.21.
Variant type: Duplication.
Coding change: c.830dup on transcript NM_005984.5 (MANE Select); coding-DNA position 830, one base duplicated (A; older notation c.830dupA).
Protein change: p.Thr279fs; shifts the reading frame from threonine 279.
Molecular consequence: frameshift variant. On other transcripts: non-coding transcript variant (1).
Genome position (GRCh38, 1-based): chr22:19,176,236, T duplicated on the plus strand (A on the coding strand, the reverse complement: SLC25A1 is on the minus strand); the first of 2 consecutive T bases (chr22:19,176,236-19,176,237); duplicating either gives the same sequence. VCF-style (leftmost placement, unchanged base first): chr22-19176235-C-CT. GRCh37 (hg19) VCF-style: chr22-19163748-C-CT.
Other names: c.851dup, p.Thr286fs (NM_001256534.2); c.521dup, p.Thr176fs (NM_001287387.2); short protein forms T176fs, T279fs, T286fs.
Identifiers: ClinVar variation 4883953 (VCV004883953.2).